The following is an entry in ClinVar:

ClinVar aggregate classification (germline): Uncertain significance (1 of 4 stars; one submission).

Conditions:
Cardiomyopathy (CMYO). Also called: Cardiomyopathies. Identifiers: Orphanet 167848, MedGen C0878544, MONDO:0004994, HP:0001638. Inheritance: Various modes of inheritance.

Submission:

Color Diagnostics, LLC DBA Color Health
Classification: Uncertain significance for Cardiomyopathy. Last evaluated: 2025-06-23. Review status: criteria provided, single submitter. Criteria: ACMG Guidelines, 2015. Collection method: clinical testing. Allele origin: germline.
Comment: This missense variant replaces cysteine with serine at codon 809 of the DSP protein. Computational prediction suggests that this variant may not impact protein structure and function. To our knowledge, functional studies have not been reported for this variant. This variant has not been reported in individuals affected with DSP-related disorders in the literature. This variant has not been identified in the general population by the Genome Aggregation Database (gnomAD). The available evidence is insufficient to determine the role of this variant in disease conclusively. Therefore, this variant is classified as a Variant of Uncertain Significance.

NM_004415.4(DSP):c.2426G>C (p.Cys809Ser)

Gene: DSP (desmoplakin; plus strand). Cytogenetic location: 6p24.3.
Variant type: single nucleotide variant.
Coding change: c.2426G>C on transcript NM_004415.4 (MANE Select); coding-DNA position 2426, G replaced by C.
Protein change: p.Cys809Ser; replaces cysteine 809 with serine.
Molecular consequence: missense variant.
Genome position (GRCh38, 1-based): chr6:7,574,785, G>C. VCF-style: chr6-7574785-G-C. GRCh37 (hg19) VCF-style: chr6-7575018-G-C.
Other names: c.2426G>C, p.Cys809Ser (NM_001008844.3, NM_001319034.2); short protein forms C809S.
Identifiers: ClinVar variation 4757035 (VCV004757035.1).